The following is an entry in ClinVar:

NM_000834.5(GRIN2B):c.2591del (p.Ile864fs)

Gene: GRIN2B (glutamate ionotropic receptor NMDA type subunit 2B; minus strand). Cytogenetic location: 12p13.1.
Variant type: Deletion.
Coding change: c.2591del on transcript NM_000834.5 (MANE Select); coding-DNA position 2591, one base deleted (T; older notation c.2591delT).
Protein change: p.Ile864fs; shifts the reading frame from isoleucine 864.
Molecular consequence: frameshift variant.
Genome position (GRCh38, 1-based): chr12:13,567,032, A deleted on the plus strand (T on the coding strand, the reverse complement: GRIN2B is on the minus strand). VCF-style (leftmost placement, unchanged base first): chr12-13567031-GA-G. GRCh37 (hg19) VCF-style: chr12-13719965-GA-G.
Other names: c.2591delT, p.Ile864Thrfs (NM_001413992.1); short protein forms I864fs.
Identifiers: ClinVar variation 2444084 (VCV002444084.1), dbSNP rs2497475506, ClinGen allele CA2580085185.
Genomic context (GRCh38, chr12:13,567,031, plus strand): 5'-TGCTAGGCTAAGCTGTCCCTAACAAGCTTTAGGCATTTAAATCAAAACACTTACTCTGCT[GA>G]TGGAGAAGACCATGCCAGGCTTGCCAGAACAGACACCCATAAAGCAATGTCGGAACTGCC-3'

ClinVar aggregate classification (germline): Likely pathogenic (1 of 4 stars; one submission).

Conditions:
Intellectual developmental disorder, autosomal dominant 6, with or without seizures. Also called: GRIN2B-related developmental delay, intellectual disability and autism spectrum disorder; Intellectual disability, autosomal dominant 6. Identifiers: Orphanet 589547, MedGen C3151411, MONDO:0013509, OMIM 613970.

Submission:

3billion
Classification: Likely pathogenic for Intellectual developmental disorder, autosomal dominant 6, with or without seizures. Last evaluated: 2023-02-23. Review status: criteria provided, single submitter. Criteria: ACMG Guidelines, 2015. Collection method: clinical testing. Allele origin: unknown. Affected: yes.
Comment: The variant is not observed in the gnomAD v2.1.1 dataset. This variant was predicted to result in a loss or disruption of normal protein function through protein truncation. The predicted truncated protein may be shortened by more than 10%. Therefore, this variant is classified as Likely pathogenic according to the recommendation of ACMG/AMP guideline.